The following is an entry in ClinVar:

ClinVar aggregate classification (germline): Likely pathogenic (1 of 4 stars; one submission).

Conditions:
Autosomal recessive polycystic kidney disease (ARPKD). Also called: AR polycystic kidney disease. Identifiers: Orphanet 731, Orphanet 8378, MedGen C0085548, MeSH D017044, MONDO:0009889.

Submission:

Natera, Inc.
Classification: Likely pathogenic for Autosomal recessive polycystic kidney disease. Last evaluated: 2024-10-22. Review status: criteria provided, single submitter. Criteria: Natera Variant Classification Schema (03/2026). Collection method: clinical testing. Allele origin: germline.
Comment: The c.2523C>A variant in PKHD1 is a nonsense variant predicted to introduce a stop codon at amino acid 841. This variant is expected to result in nonsense mediated decay, truncation, or a dysfunctional protein product. This variant is rare in the general population with a frequency below the threshold expected for the associated phenotype(s). Given the available evidence, this variant is classified as Likely Pathogenic.

NM_138694.4(PKHD1):c.2523C>A (p.Tyr841Ter)

Gene: PKHD1 (PKHD1 ciliary IPT domain containing fibrocystin/polyductin; minus strand). Cytogenetic location: 6p12.2.
Variant type: single nucleotide variant.
Coding change: c.2523C>A on transcript NM_138694.4 (MANE Select); coding-DNA position 2523, C replaced by A.
Protein change: p.Tyr841Ter; replaces tyrosine 841 with a stop codon.
Molecular consequence: nonsense.
Genome position (GRCh38, 1-based): chr6:52,046,073, G>T on the plus strand (C>A on the coding strand, the complement: PKHD1 is on the minus strand). VCF-style: chr6-52046073-G-T. GRCh37 (hg19) VCF-style: chr6-51910871-G-T.
Other names: c.2523C>A, p.Tyr841Ter (NM_170724.3); short protein forms Y841*.
Identifiers: ClinVar variation 4816610 (VCV004816610.1).
Genomic context (GRCh38, chr6:52,046,073, plus strand): 5'-ATTGGGCAAATCCCCAATCTGAGTGGACCAGGACAAGGTCCACACGTGTTCGTAGCAAGT[G>T]TATAGATCCTCCTTCACAGTGAAGTCACTGGCATTGAGGTACCTGGATGTGAAGTCATCG-3'